The following is an entry in ClinVar:

NM_198578.4(LRRK2):c.6322G>C (p.Glu2108Gln)

Gene: LRRK2 (leucine rich repeat kinase 2; plus strand). Cytogenetic location: 12q12.
Variant type: single nucleotide variant.
Coding change: c.6322G>C on transcript NM_198578.4 (MANE Select); coding-DNA position 6322, G replaced by C.
Protein change: p.Glu2108Gln; replaces glutamic acid 2108 with glutamine.
Molecular consequence: missense variant.
Genome position (GRCh38, 1-based): chr12:40,348,450, G>C. VCF-style: chr12-40348450-G-C. GRCh37 (hg19) VCF-style: chr12-40742252-G-C.
Other names: short protein forms E2108Q.
Identifiers: ClinVar variation 2453053 (VCV002453053.2), dbSNP rs2499972620, ClinGen allele CA384406091.

ClinVar aggregate classification (germline): Uncertain significance (1 of 4 stars; one submission).

Conditions:
Inborn genetic diseases. Identifiers: MedGen C0950123, MeSH D030342.

Submission:

Ambry Genetics
Classification: Uncertain significance for Inborn genetic diseases. Last evaluated: 2022-12-16. Review status: criteria provided, single submitter. Criteria: Ambry Variant Classification Scheme 2023. Collection method: clinical testing. Allele origin: germline.
Comment: The p.E2108Q variant (also known as c.6322G>C), located in coding exon 43 of the LRRK2 gene, results from a G to C substitution at nucleotide position 6322. The glutamic acid at codon 2108 is replaced by glutamine, an amino acid with highly similar properties. This amino acid position is conserved. In addition, this alteration is predicted to be tolerated by in silico analysis. Since supporting evidence is limited at this time, the clinical significance of this alteration remains unclear.